The following is an entry in ClinVar:

ClinVar aggregate classification (germline): Benign. Review status: criteria provided, multiple submitters, no conflicts (2 of 4 stars). 12 submissions from 12 submitters: Benign (8). 4 of the submissions do not count toward it. Last evaluated 2026-09-01.

Conditions:
Inborn genetic diseases. Identifiers: MedGen C0950123, MeSH D030342.
Developmental and epileptic encephalopathy, 42 (DEE42A). Also called: DEVELOPMENTAL AND EPILEPTIC ENCEPHALOPATHY 42A; EPILEPTIC ENCEPHALOPATHY, EARLY INFANTILE, 42A; Epileptic encephalopathy, early infantile, 42. Identifiers: MedGen C4310716, MONDO:0014917, OMIM 617106.
Episodic ataxia type 2 (EA2). Also called: ACETAZOLAMIDE-RESPONSIVE HEREDITARY PAROXYSMAL CEREBELLAR ATAXIA; ATAXIA, EPISODIC, WITH NYSTAGMUS; ATAXIA, FAMILIAL PAROXYSMAL; CEREBELLAR ATAXIA, PAROXYSMAL, ACETAZOLAMIDE-RESPONSIVE; CEREBELLOPATHY, HEREDITARY PAROXYSMAL; EPISODIC ATAXIA, NYSTAGMUS-ASSOCIATED. Identifiers: Orphanet 97, MedGen C1720416, MONDO:0007163, OMIM 108500.

Allele frequency attached by ClinVar (database versions not stated): 1000 Genomes Project 0.00399; 1000 Genomes Project 30x 0.00406; TOPMed 0.00815; ESP Exome Variant Server 0.00969; ExAC 0.01013; gnomAD 0.01021 and 0.01053; gnomAD exomes 0.01047 and 0.01137.
gnomAD v4.1: 18,030 of 1,613,542 alleles (1.1%); highest among the groups gnomAD compares: Non-Finnish European, 1.3%; 132 homozygotes.

Submissions (12):

CeGaT Center for Human Genetics Tuebingen
Classification: Benign. Last evaluated: 2026-09-01. Review status: criteria provided, single submitter. Criteria: CeGaT Center For Human Genetics Tuebingen Variant Classification Criteria Version 2. Collection method: clinical testing. Allele origin: germline. Affected: yes. Observed: 177 variant alleles.
Comment: CACNA1A: PP2, BS1, BS2

Labcorp Genetics (formerly Invitae), Labcorp
Classification: Benign for Developmental and epileptic encephalopathy, 42; Episodic ataxia type 2. Last evaluated: 2026-02-03. Review status: criteria provided, single submitter. Criteria: Invitae Variant Classification Sherloc (09022015). Collection method: clinical testing. Allele origin: germline.

Athena Diagnostics
Classification: Benign. Last evaluated: 2025-06-09. Review status: criteria provided, single submitter. Criteria: Athena Diagnostics Criteria. Collection method: clinical testing. Allele origin: unknown.
Comment: The frequency of this variant in the general population is higher than would generally be expected for pathogenic variants in this gene.

Blueprint Genetics
Classification: Benign. Last evaluated: 2024-11-27. Review status: criteria provided, single submitter. Criteria: ACMG Guidelines, 2015. Collection method: clinical testing. Allele origin: germline.

Mayo Clinic Laboratories, Mayo Clinic
Classification: Benign. Last evaluated: 2024-10-21. Review status: criteria provided, single submitter. Criteria: ACMG Guidelines, 2015. Collection method: clinical testing. Allele origin: germline. Observed: 25 variant alleles.
Comment: BS1, BS2

GeneDx
Classification: Benign. Last evaluated: 2016-05-24. Review status: criteria provided, single submitter. Criteria: GeneDx Variant Classification (06012015). Collection method: clinical testing. Allele origin: germline. Affected: yes.
Comment: This variant is considered likely benign or benign based on one or more of the following criteria: it is a conservative change, it occurs at a poorly conserved position in the protein, it is predicted to be benign by multiple in silico algorithms, and/or has population frequency not consistent with disease.

Ambry Genetics
Classification: Benign for Inborn genetic diseases. Last evaluated: 2016-02-24. Review status: criteria provided, single submitter. Criteria: Ambry Variant Classification Scheme 2023. Collection method: clinical testing. Allele origin: germline.

Breakthrough Genomics
Classification: Benign. Review status: criteria provided, single submitter. Criteria: ACMG Guidelines, 2015. Collection method: not provided. Allele origin: germline. Inheritance: Autosomal dominant inheritance. Affected: yes.

Genetic Services Laboratory, University of Chicago
Classification: Likely benign for AllHighlyPenetrant. Review status: no assertion criteria provided. Collection method: clinical testing. Allele origin: germline. Inheritance: Autosomal dominant inheritance. Not counted in ClinVar's aggregate classification.
Comment: Likely benign based on allele frequency in 1000 Genomes Project or ESP global frequency and its presence in a patient with a rare or unrelated disease phenotype. NOT Sanger confirmed.

Genome Diagnostics Laboratory, University Medical Center Utrecht
Classification: Likely benign. Review status: no assertion criteria provided. Collection method: clinical testing. Allele origin: germline. Affected: yes. Study: VKGL Data-share Consensus. Not counted in ClinVar's aggregate classification.

Joint Genome Diagnostic Labs from Nijmegen and Maastricht, Radboudumc and MUMC+
Classification: Benign. Review status: no assertion criteria provided. Collection method: clinical testing. Allele origin: germline. Affected: yes. Study: VKGL Data-share Consensus. Not counted in ClinVar's aggregate classification.

Laboratory of Diagnostic Genome Analysis, Leiden University Medical Center (LUMC)
Classification: Likely benign. Review status: no assertion criteria provided. Collection method: clinical testing. Allele origin: germline. Affected: yes. Study: VKGL Data-share Consensus. Not counted in ClinVar's aggregate classification.

Literature cited by the submitters: PubMed 34484942 (cited by Athena Diagnostics); PubMed 16508934 (cited by Athena Diagnostics); PubMed 36786913 (cited by Athena Diagnostics); PubMed 29924869 (cited by Athena Diagnostics and Mayo Clinic Laboratories, Mayo Clinic); PubMed 27919014 (cited by Mayo Clinic Laboratories, Mayo Clinic).

NM_001127222.2(CACNA1A):c.2192A>C (p.Glu731Ala)

Gene: CACNA1A (calcium voltage-gated channel subunit alpha1 A; minus strand). Cytogenetic location: 19p13.13.
Variant type: single nucleotide variant.
Coding change: c.2192A>C on transcript NM_001127222.2 (MANE Select); coding-DNA position 2192, A replaced by C.
Protein change: p.Glu731Ala; replaces glutamic acid 731 with alanine.
Molecular consequence: missense variant.
Genome position (GRCh38, 1-based): chr19:13,300,637, T>G on the plus strand (A>C on the coding strand, the complement: CACNA1A is on the minus strand). VCF-style: chr19-13300637-T-G. GRCh37 (hg19) VCF-style: chr19-13411451-T-G.
Other names: p.Glu732Ala; c.2195A>C (NM_000068.2); c.2204A>C, p.Glu735Ala (NM_000068.4, NM_023035.3); c.2195A>C, p.Glu732Ala (NM_001127221.2, NM_001174080.2); short protein forms E732A, E735A, E731A.
Identifiers: ClinVar variation 128547 (VCV000128547.58), dbSNP rs16019, ClinGen allele CA152082.